The following is an entry in ClinVar:

NM_000180.4(GUCY2D):c.71del (p.Pro24fs)

Gene: GUCY2D (guanylate cyclase 2D, retinal; plus strand). Cytogenetic location: 17p13.1.
Variant type: Deletion.
Coding change: c.71del on transcript NM_000180.4 (MANE Select); coding-DNA position 71, one base deleted (C; older notation c.71delC).
Protein change: p.Pro24fs; shifts the reading frame from proline 24.
Molecular consequence: frameshift variant.
Genome position (GRCh38, 1-based): chr17:8,003,118, C deleted; the last of 2 consecutive C bases (chr17:8,003,117-8,003,118); deleting either gives the same sequence. VCF-style (leftmost placement, unchanged base first): chr17-8003116-TC-T. GRCh37 (hg19) VCF-style: chr17-7906434-TC-T.
Other names: NC_000017.10:g.7906436del; NP_000171.1:p.(Pro24ArgfsTer61); short protein forms P24fs.
Identifiers: ClinVar variation 3381798 (VCV003381798.2).

ClinVar aggregate classification (germline): Likely pathogenic (1 of 4 stars; one submission).

Conditions:
Retinal dystrophy. Also called: Inherited retinal dystrophy. Identifiers: Orphanet 71862, MedGen C0854723, MeSH D058499, MONDO:0019118, HP:0000556.

Submission:

Ophthalmic Genetics Group, Institute of Molecular and Clinical Ophthalmology Basel
Classification: Likely pathogenic for Retinal dystrophy. Last evaluated: 2024-05-27. Review status: criteria provided, single submitter. Criteria: ACMG Guidelines, 2015. Collection method: research. Allele origin: germline. Affected: yes. Observed: 1 variant allele.
Comment: This variant was classified as Likely pathogenic based on ACMG criteria: PVS1_very strong, PM2_mod

Literature cited by the submitters: PubMed 40180963.